The following is an entry in ClinVar:

ClinVar aggregate classification (germline): Uncertain significance (1 of 4 stars; one submission).

Allele frequency attached by ClinVar (database versions not stated): gnomAD exomes below 0.00001.
gnomAD v4.1: 1 of 1,613,996 alleles (0.000062%); highest among the groups gnomAD compares: South Asian, 0.0011%; no homozygotes.

Submission:

GeneDx
Classification: Uncertain significance. Last evaluated: 2024-04-29. Review status: criteria provided, single submitter. Criteria: GeneDx Variant Classification Process June 2021. Collection method: clinical testing. Allele origin: germline. Affected: yes.
Comment: Not observed at significant frequency in large population cohorts (gnomAD); In silico analysis supports that this missense variant has a deleterious effect on protein structure/function; Has not been previously published as pathogenic or benign to our knowledge

NM_001130438.3(SPTAN1):c.7400A>G (p.Tyr2467Cys)

Gene: SPTAN1 (spectrin alpha, non-erythrocytic 1; plus strand). Cytogenetic location: 9q34.11.
Variant type: single nucleotide variant.
Coding change: c.7400A>G on transcript NM_001130438.3 (MANE Select); coding-DNA position 7400, A replaced by G.
Protein change: p.Tyr2467Cys; replaces tyrosine 2467 with cysteine.
Molecular consequence: missense variant.
Genome position (GRCh38, 1-based): chr9:128,633,300, A>G. VCF-style: chr9-128633300-A-G. GRCh37 (hg19) VCF-style: chr9-131395579-A-G.
Other names: c.7325A>G, p.Tyr2442Cys (NM_001195532.2); c.7463A>G, p.Tyr2488Cys (NM_001363759.2); c.7340A>G, p.Tyr2447Cys (NM_001363765.2, NM_001375314.2); c.7487A>G, p.Tyr2496Cys (NM_001375310.1); c.7400A>G, p.Tyr2467Cys (NM_001375311.2); c.7436A>G, p.Tyr2479Cys (NM_001375312.2); c.7382A>G, p.Tyr2461Cys (NM_001375313.1); c.7499A>G, p.Tyr2500Cys (NM_001375318.1); and 1 more; short protein forms Y2442C, Y2447C, Y2461C, Y2462C, Y2467C, Y2479C, Y2488C, Y2496C.
Identifiers: ClinVar variation 3253213 (VCV003253213.1), dbSNP rs2542411097.